The following is an entry in ClinVar:

NM_001271.4(CHD2):c.4720G>C (p.Gly1574Arg)

Gene: CHD2 (chromodomain helicase DNA binding protein 2; plus strand). Cytogenetic location: 15q26.1.
Variant type: single nucleotide variant.
Coding change: c.4720G>C on transcript NM_001271.4 (MANE Select); coding-DNA position 4720, G replaced by C.
Protein change: p.Gly1574Arg; replaces glycine 1574 with arginine.
Molecular consequence: missense variant.
Genome position (GRCh38, 1-based): chr15:93,014,723, G>C. VCF-style: chr15-93014723-G-C. GRCh37 (hg19) VCF-style: chr15-93557953-G-C.
Other names: short protein forms G1574R.
Identifiers: ClinVar variation 388049 (VCV000388049.2), dbSNP rs375612058, ClinGen allele CA7748543.
Genomic context (GRCh38, chr15:93,014,723, plus strand): 5'-CTTGAGCTTCTTTGGTTTCCTTTTACTCTTTAGGAGCAAAAGAAGAAAGACGACGTGACT[G>C]GGGGTAAGAAACCATTTCGTCCAGAGGCCTCAGGCTCCAGCCGGGACTCTCTGATATCTC-3'
Protein context (NP_001262.3, residues 1564-1584): EEQKKKDDVT[Gly1574Arg]GKKPFRPEAS

ClinVar aggregate classification (germline): Conflicting classifications of pathogenicity. Review status: criteria provided, conflicting classifications (1 of 4 stars). 2 submissions from 2 submitters: Uncertain significance (1); Likely benign (1). Last evaluated 2026-01-28.

Conditions:
Developmental and epileptic encephalopathy 94 (DEE94). Also called: Epileptic encephalopathy, childhood-onset; CHD2-Related Neurodevelopmental Disorders. Identifiers: Orphanet 1942, Orphanet 2382, MedGen C3809278, MONDO:0014150, OMIM 615369.

Allele frequency attached by ClinVar (database versions not stated): gnomAD 0.00001; TOPMed 0.00001; ESP Exome Variant Server 0.00008.
gnomAD v4.1: 9 of 1,614,028 alleles (0.00056%); highest among the groups gnomAD compares: East Asian, 0.0022%; no homozygotes.

Submissions (2):

Labcorp Genetics (formerly Invitae), Labcorp
Classification: Uncertain significance for Developmental and epileptic encephalopathy 94. Last evaluated: 2026-01-28. Review status: criteria provided, single submitter. Criteria: Invitae Variant Classification Sherloc (09022015). Collection method: clinical testing. Allele origin: germline.
Comment: This sequence change replaces glycine, which is neutral and non-polar, with arginine, which is basic and polar, at codon 1574 of the CHD2 protein (p.Gly1574Arg). This variant is present in population databases (rs375612058, gnomAD 0.002%). This variant has not been reported in the literature in individuals affected with CHD2-related conditions. ClinVar contains an entry for this variant (Variation ID: 388049). Invitae Evidence Modeling of protein sequence and biophysical properties (such as structural, functional, and spatial information, amino acid conservation, physicochemical variation, residue mobility, and thermodynamic stability) indicates that this missense variant is not expected to disrupt CHD2 protein function with a negative predictive value of 95%. In summary, the available evidence is currently insufficient to determine the role of this variant in disease. Therefore, it has been classified as a Variant of Uncertain Significance.

GeneDx
Classification: Likely benign. Last evaluated: 2016-09-07. Review status: criteria provided, single submitter. Criteria: GeneDx Variant Classification (06012015). Collection method: clinical testing. Allele origin: germline. Affected: yes.
Comment: This variant is considered likely benign or benign based on one or more of the following criteria: it is a conservative change, it occurs at a poorly conserved position in the protein, it is predicted to be benign by multiple in silico algorithms, and/or has population frequency not consistent with disease.